The following is an entry in ClinVar:

NM_000377.3(WAS):c.1084C>A (p.Pro362Thr)

Gene: WAS (WASP actin nucleation promoting factor; plus strand). Cytogenetic location: Xp11.23.
Variant type: single nucleotide variant.
Coding change: c.1084C>A on transcript NM_000377.3 (MANE Select); coding-DNA position 1084, C replaced by A.
Protein change: p.Pro362Thr; replaces proline 362 with threonine.
Molecular consequence: missense variant.
Genome position (GRCh38, 1-based): chrX:48,688,812, C>A. VCF-style: chrX-48688812-C-A. GRCh37 (hg19) VCF-style: chrX-48547201-C-A.
Other names: short protein forms P362T.
Identifiers: ClinVar variation 1351863 (VCV001351863.8), dbSNP rs2147266477, ClinGen allele CA412873244.

ClinVar aggregate classification (germline): Uncertain significance (1 of 4 stars; one submission).

Conditions:
Thrombocytopenia 1. Also called: THROMBOCYTOPENIA, X-LINKED, 1; X-linked thrombocytopenia with normal platelets; X-Linked Thrombocytopenia (XLT). Identifiers: Orphanet 268322, Orphanet 852, MedGen C1839163, MONDO:0010743, OMIM 313900.
Wiskott-Aldrich syndrome (WAS). Also called: WISKOTT-ALDRICH SYNDROME 1; ALDRICH SYNDROME; IMMUNODEFICIENCY 2; Wiskott-aldrich syndrome, somatic. Identifiers: Orphanet 906, MedGen C0043194, MONDO:0010518, OMIM 301000.
X-linked severe congenital neutropenia (SCNX). Identifiers: Orphanet 86788, MedGen C1845987, MONDO:0010294, OMIM 300299.

Submission:

Labcorp Genetics (formerly Invitae), Labcorp
Classification: Uncertain significance for Wiskott-Aldrich syndrome; X-linked severe congenital neutropenia; Thrombocytopenia 1. Last evaluated: 2022-07-06. Review status: criteria provided, single submitter. Criteria: Invitae Variant Classification Sherloc (09022015). Collection method: clinical testing. Allele origin: germline.
Comment: In summary, the available evidence is currently insufficient to determine the role of this variant in disease. Therefore, it has been classified as a Variant of Uncertain Significance. Algorithms developed to predict the effect of sequence changes on RNA splicing suggest that this variant may create or strengthen a splice site. Experimental studies and prediction algorithms are not available or were not evaluated, and the functional significance of this variant is currently unknown. ClinVar contains an entry for this variant (Variation ID: 1351863). This variant has not been reported in the literature in individuals affected with WAS-related conditions. This variant is not present in population databases (gnomAD no frequency). This sequence change replaces proline, which is neutral and non-polar, with threonine, which is neutral and polar, at codon 362 of the WAS protein (p.Pro362Thr).